The following is an entry in ClinVar:

ClinVar aggregate classification (germline): Uncertain significance (1 of 4 stars; one submission).

Submission:

Labcorp Genetics (formerly Invitae), Labcorp
Classification: Uncertain significance. Last evaluated: 2024-07-19. Review status: criteria provided, single submitter. Criteria: Invitae Variant Classification Sherloc (09022015). Collection method: clinical testing. Allele origin: germline.
Comment: This sequence change replaces isoleucine, which is neutral and non-polar, with valine, which is neutral and non-polar, at codon 47 of the NOG protein (p.Ile47Val). This variant is not present in population databases (gnomAD no frequency). This variant has not been reported in the literature in individuals affected with NOG-related conditions. An algorithm developed to predict the effect of missense changes on protein structure and function (PolyPhen-2) suggests that this variant is likely to be tolerated. In summary, the available evidence is currently insufficient to determine the role of this variant in disease. Therefore, it has been classified as a Variant of Uncertain Significance.

NM_005450.6(NOG):c.139A>G (p.Ile47Val)

Gene: NOG (noggin; plus strand). Cytogenetic location: 17q22.
Variant type: single nucleotide variant.
Coding change: c.139A>G on transcript NM_005450.6 (MANE Select); coding-DNA position 139, A replaced by G.
Protein change: p.Ile47Val; replaces isoleucine 47 with valine.
Molecular consequence: missense variant.
Genome position (GRCh38, 1-based): chr17:56,594,362, A>G. VCF-style: chr17-56594362-A-G. GRCh37 (hg19) VCF-style: chr17-54671723-A-G.
Other names: short protein forms I47V.
Identifiers: ClinVar variation 3659957 (VCV003659957.2).
Genomic context (GRCh38, chr17:56,594,362, plus strand): 5'-GGCCAGCACTATCTCCACATCCGCCCGGCACCCAGCGACAACCTGCCCCTGGTGGACCTC[A>G]TCGAACACCCAGACCCTATCTTTGACCCCAAGGAAAAGGATCTGAACGAGACGCTGCTGC-3'
Protein context (NP_005441.1, residues 37-57): PSDNLPLVDL[Ile47Val]EHPDPIFDPK